The following is an entry in ClinVar:

ClinVar aggregate classification (germline): Benign. Review status: criteria provided, multiple submitters, no conflicts (2 of 4 stars). 2 submissions from 2 submitters: Benign (2). Last evaluated 2018-01-13.

Conditions:
Aicardi-Goutieres syndrome 3. Identifiers: Orphanet 51, MedGen C1835916, MONDO:0012471, OMIM 610329.

Allele frequency attached by ClinVar (database versions not stated): 1000 Genomes Project 0.01518; TOPMed 0.02749; gnomAD 0.03869 and 0.03991; 1000 Genomes Project 30x 0.01468; gnomAD exomes 0.03491.
gnomAD v4.1: 5,920 of 153,796 alleles (3.8%); highest among the groups gnomAD compares: Non-Finnish European, 5.1%; 200 homozygotes.

Submissions (2):

Illumina Laboratory Services, Illumina
Classification: Benign for Aicardi-Goutieres syndrome 3. Last evaluated: 2018-01-13. Review status: criteria provided, single submitter. Criteria: ICSL Variant Classification Criteria 13 December 2019. Collection method: clinical testing. Allele origin: germline.
Comment: This variant was observed in the ICSL laboratory as part of a predisposition screen in an ostensibly healthy population. It had not been previously curated by ICSL or reported in the Human Gene Mutation Database (HGMD: prior to June 1st, 2018), and was therefore a candidate for classification through an automated scoring system. Utilizing variant allele frequency, disease prevalence and penetrance estimates, and inheritance mode, an automated score was calculated to assess if this variant is too frequent to cause the disease. Based on the score and internal cut-off values, a variant classified as benign is not then subjected to further curation. The score for this variant resulted in a classification of benign for this disease.

Breakthrough Genomics
Classification: Benign. Review status: criteria provided, single submitter. Criteria: ACMG Guidelines, 2015. Collection method: not provided. Allele origin: germline. Inheritance: Autosomal recessive inheritance. Affected: yes.

NM_032193.4(RNASEH2C):c.*1776C>T

Genes: KAT5 (lysine acetyltransferase 5; plus strand), RNASEH2C (ribonuclease H2 subunit C; minus strand). Cytogenetic location: 11q13.1.
Variant type: single nucleotide variant.
Coding change: c.*1776C>T on transcript NM_032193.4 (MANE Select); 1776 bases downstream of the stop codon, C replaced by T.
Molecular consequence: 3 prime UTR variant. On other transcripts: intron variant (4).
Genome position (GRCh38, 1-based): chr11:65,718,007, G>A on the plus strand (C>T on the coding strand, the complement: RNASEH2C is on the minus strand). VCF-style: chr11-65718007-G-A. GRCh37 (hg19) VCF-style: chr11-65485478-G-A.
Other names: c.1265-583G>A (NM_182710.3); c.1109-583G>A (NM_001206833.2); c.1166-583G>A (NM_006388.4); c.1010-583G>A (NM_182709.3).
Identifiers: ClinVar variation 305328 (VCV000305328.6), dbSNP rs4645936, ClinGen allele CA10631179.